The following is an entry in ClinVar:

NM_024577.4(SH3TC2):c.3374A>G (p.Glu1125Gly)

Gene: SH3TC2 (SH3 domain and tetratricopeptide repeats 2; minus strand). Cytogenetic location: 5q32.
Variant type: single nucleotide variant.
Coding change: c.3374A>G on transcript NM_024577.4 (MANE Select); coding-DNA position 3374, A replaced by G.
Protein change: p.Glu1125Gly; replaces glutamic acid 1125 with glycine.
Molecular consequence: missense variant.
Genome position (GRCh38, 1-based): chr5:149,008,955, T>C on the plus strand (A>G on the coding strand, the complement: SH3TC2 is on the minus strand). VCF-style: chr5-149008955-T-C. GRCh37 (hg19) VCF-style: chr5-148388518-T-C.
Other names: c.3374A>G (NM_024577.3); short protein forms E1125G.
Identifiers: ClinVar variation 1417539 (VCV001417539.7), dbSNP rs1169028062, ClinGen allele CA361664667.

ClinVar aggregate classification (germline): Uncertain significance. Review status: criteria provided, multiple submitters, no conflicts (2 of 4 stars). 3 submissions from 3 submitters: Uncertain significance (2). 1 of the submissions does not count toward it. Last evaluated 2024-10-30.

Conditions:
Tip-toe gait. Also called: Toe walking. Identifiers: MedGen C0427144, HP:0030051.
Charcot-Marie-Tooth disease type 4. Also called: Charcot-Marie-Tooth disease, type IV; Charcot-Marie-Tooth, Type 4. Identifiers: Orphanet 64749, MedGen C4082197, MONDO:0018995.

Allele frequency attached by ClinVar (database versions not stated): gnomAD exomes 0.00001; gnomAD 0.00001; TOPMed 0.00001.
gnomAD v4.1: 14 of 1,614,062 alleles (0.00087%); highest among the groups gnomAD compares: South Asian, 0.011%; no homozygotes.

Submissions (3):

GeneDx
Classification: Uncertain significance. Last evaluated: 2024-10-30. Review status: criteria provided, single submitter. Criteria: GeneDx Variant Classification Process June 2021. Collection method: clinical testing. Allele origin: germline. Affected: yes.
Comment: Not observed at significant frequency in large population cohorts (gnomAD); In silico analysis supports that this missense variant has a deleterious effect on protein structure/function; Has not been previously published as pathogenic or benign to our knowledge

Labcorp Genetics (formerly Invitae), Labcorp
Classification: Uncertain significance for Charcot-Marie-Tooth disease type 4. Last evaluated: 2022-07-06. Review status: criteria provided, single submitter. Criteria: Invitae Variant Classification Sherloc (09022015). Collection method: clinical testing. Allele origin: germline.
Comment: This sequence change replaces glutamic acid, which is acidic and polar, with glycine, which is neutral and non-polar, at codon 1125 of the SH3TC2 protein (p.Glu1125Gly). This variant is not present in population databases (gnomAD no frequency). This variant has not been reported in the literature in individuals affected with SH3TC2-related conditions. ClinVar contains an entry for this variant (Variation ID: 1417539). Algorithms developed to predict the effect of missense changes on protein structure and function (SIFT, PolyPhen-2, Align-GVGD) all suggest that this variant is likely to be disruptive. In summary, the available evidence is currently insufficient to determine the role of this variant in disease. Therefore, it has been classified as a Variant of Uncertain Significance.

Practice for Gait Abnormalities, David Pomarino, Competency Network Toe Walking C/o Practice Pomarino
Classification: Likely pathogenic for Tip-toe gait. Last evaluated: 2022-03-14. Review status: flagged submission. Collection method: clinical testing. Allele origin: germline. Affected: yes. Not counted in ClinVar's aggregate classification.
Comment: Hereditary motor sensory neuropathy (HMSN), also known as Charcot-Marie-Tooth Disease (CMT), is the most commonly inherited peripheral polyneuropathy. It constitutes a group of inherited, progressive, motor and sensory peripheral nerve disorders with properties of demyelination, axonal degeneration, or both. It is classified by clinical characteristics, modes of inheritance, electrophysiologic features, metabolic defects, and specific gene markers. Our patients all walk on tiptoe, so they show similar symptoms. When we genetically test them with our toe walking panel, we find that around 90 per cent of them have a genetic variant that explains their toe walking. These can be assigned, for example, to the area of myopathies (such as variants of the COL6A3 gene), the area of hereditary neuropathies (such as variants of the KMT2C gene) or the area of metabolic diseases (such as variants of the PYGM gene). In a smaller group of patients with almost identical symptoms, no abnormality is found in the genes of our panel, but spastic paraplegia can be detected. In another small group of our toe walkers, no abnormalities can be detected in the genes analysed in our toe walking panel, nor do they suffer from spastic paraplegia, as is also the case with healthy children. In contrast to these, however, they show a tiptoe gait. These patients suffer from infantile cerebral palsy, in which toe walking can also be observed.
ClinVar note: Notes: This gene has insufficient supporting evidence for isolated Tip-Toe Gait.
ClinVar note: Reason: Claim with insufficient supporting evidence

Literature cited by the submitters: DOI 10.3238/oup.2019.0380-0382 (cited by Practice for Gait Abnormalities, David Pomarino, Competency Network Toe Walking C/o Practice Pomarino); PubMed 37091313 (cited by Practice for Gait Abnormalities, David Pomarino, Competency Network Toe Walking C/o Practice Pomarino).